The following is an entry in ClinVar:

NM_001267550.2(TTN):c.56348-5T>A

Genes: TTN (titin; minus strand), TTN-AS1 (TTN antisense RNA 1; plus strand). Cytogenetic location: 2q31.2.
Variant type: single nucleotide variant.
Coding change: c.56348-5T>A on transcript NM_001267550.2 (MANE Select); 5 bases into the intron before coding-DNA position 56348, T replaced by A.
Molecular consequence: intron variant.
Genome position (GRCh38, 1-based): chr2:178,599,450, A>T on the plus strand (T>A on the coding strand, the complement: TTN is on the minus strand). VCF-style: chr2-178599450-A-T. GRCh37 (hg19) VCF-style: chr2-179464177-A-T.
Other names: c.29153-5T>A (NM_003319.4); c.29729-5T>A (NM_133437.4); c.29528-5T>A (NM_133432.3); c.48644-5T>A (NM_133378.4); c.51425-5T>A (NM_001256850.1).
Identifiers: ClinVar variation 5031472 (VCV005031472.1).

ClinVar aggregate classification (germline): Uncertain significance (1 of 4 stars; one submission).

Conditions:
Cardiovascular phenotype. Identifiers: MedGen CN230736.

Submission:

Ambry Genetics
Classification: Uncertain significance for Cardiovascular phenotype. Last evaluated: 2026-07-22. Review status: criteria provided, single submitter. Criteria: Ambry Variant Classification Scheme 2023. Collection method: clinical testing. Allele origin: germline.
Comment: The c.29153-5T>A intronic variant results from a T to A substitution 5 nucleotides upstream from coding exon 117 in the TTN gene. This nucleotide position is not well conserved in available vertebrate species. In silico splice site analysis for this alteration is inconclusive. Based on the available evidence, the clinical significance of this variant remains unclear.